The following is an entry in ClinVar:

NM_001035.3(RYR2):c.12325A>C (p.Met4109Leu)

Gene: RYR2 (ryanodine receptor 2; plus strand). Cytogenetic location: 1q43.
Variant type: single nucleotide variant.
Coding change: c.12325A>C on transcript NM_001035.3 (MANE Select); coding-DNA position 12325, A replaced by C.
Protein change: p.Met4109Leu; replaces methionine 4109 with leucine.
Molecular consequence: missense variant.
Genome position (GRCh38, 1-based): chr1:237,784,037, A>C. VCF-style: chr1-237784037-A-C. GRCh37 (hg19) VCF-style: chr1-237947337-A-C.
Other names: c.12325A>C (NM_001035.2); short protein forms M4109L.
Identifiers: ClinVar variation 1432208 (VCV001432208.12), dbSNP rs730880196, ClinGen allele CA345412970.

ClinVar aggregate classification (germline): Uncertain significance. Review status: criteria provided, multiple submitters, no conflicts (2 of 4 stars). 4 submissions from 4 submitters: Uncertain significance (4). Last evaluated 2025-10-15.

Conditions:
Catecholaminergic polymorphic ventricular tachycardia (CVPT). Also called: Catecholamine-induced polymorphic ventricular tachycardia. Identifiers: Orphanet 3286, MedGen C5574922, MONDO:0017990.
Cardiovascular phenotype. Identifiers: MedGen CN230736.
Cardiomyopathy (CMYO). Also called: Cardiomyopathies. Identifiers: Orphanet 167848, MedGen C0878544, MONDO:0004994, HP:0001638. Inheritance: Various modes of inheritance.
Catecholaminergic polymorphic ventricular tachycardia 1. Also called: VENTRICULAR TACHYCARDIA, CATECHOLAMINERGIC POLYMORPHIC, 1, WITH OR WITHOUT ATRIAL DYSFUNCTION AND/OR DILATED CARDIOMYOPATHY; RYR2-Related Catecholaminergic Polymorphic Ventricular Tachycardia; VENTRICULAR TACHYCARDIA, STRESS-INDUCED POLYMORPHIC 1. Identifiers: Orphanet 3286, MedGen C1631597, MONDO:0011484, OMIM 604772.

Allele frequency attached by ClinVar (database versions not stated): gnomAD exomes below 0.00001.
gnomAD v4.1: 1 of 1,614,014 alleles (0.000062%); highest among the groups gnomAD compares: African/African-American, 0.0013%; no homozygotes.

Submissions (4):

Labcorp Genetics (formerly Invitae), Labcorp
Classification: Uncertain significance for Catecholaminergic polymorphic ventricular tachycardia 1. Last evaluated: 2025-10-15. Review status: criteria provided, single submitter. Criteria: Invitae Variant Classification Sherloc (09022015). Collection method: clinical testing. Allele origin: germline.
Comment: This sequence change replaces methionine, which is neutral and non-polar, with leucine, which is neutral and non-polar, at codon 4109 of the RYR2 protein (p.Met4109Leu). This variant is present in population databases (no rsID available, gnomAD 0.007%). This variant has not been reported in the literature in individuals affected with RYR2-related conditions. ClinVar contains an entry for this variant (Variation ID: 1432208). Invitae Evidence Modeling of protein sequence and biophysical properties (such as structural, functional, and spatial information, amino acid conservation, physicochemical variation, residue mobility, and thermodynamic stability) indicates that this missense variant is expected to disrupt RYR2 protein function with a positive predictive value of 80%. In summary, the available evidence is currently insufficient to determine the role of this variant in disease. Therefore, it has been classified as a Variant of Uncertain Significance.

Color Diagnostics, LLC DBA Color Health
Classification: Uncertain significance for Cardiomyopathy. Last evaluated: 2025-06-24. Review status: criteria provided, single submitter. Criteria: ACMG Guidelines, 2015. Collection method: clinical testing. Allele origin: germline.
Comment: This missense variant replaces methionine with leucine at codon 4109 of the RYR2 protein. Computational prediction is inconclusive regarding the impact of this variant on protein structure and function. To our knowledge, functional studies have not been reported for this variant. This variant has not been reported in individuals affected with RYR2-related disorders in the literature. This variant has been identified in 1/248444 chromosomes in the general population by the Genome Aggregation Database (gnomAD). The available evidence is insufficient to determine the role of this variant in disease conclusively. Therefore, this variant is classified as a Variant of Uncertain Significance.

All of Us Research Program, National Institutes of Health
Classification: Uncertain significance for Catecholaminergic polymorphic ventricular tachycardia. Last evaluated: 2023-06-08. Review status: criteria provided, single submitter. Criteria: ACMG Guidelines, 2015. Collection method: clinical testing. Allele origin: germline. Inheritance: Autosomal dominant inheritance. Observed: 1 variant allele, 1 heterozygote.
Comment: This missense variant replaces methionine with leucine at codon 4109 of the RYR2 protein. Computational prediction is inconclusive regarding the impact of this variant on protein structure and function (internally defined REVEL score threshold 0.5 < inconclusive < 0.7, PMID: 27666373). To our knowledge, functional studies have not been reported for this variant. This variant has not been reported in individuals affected with RYR2-related disorders in the literature. This variant has been identified in 1/248444 chromosomes in the general population by the Genome Aggregation Database (gnomAD). The available evidence is insufficient to determine the role of this variant in disease conclusively. Therefore, this variant is classified as a Variant of Uncertain Significance.

This study involves interpretation of variants in research participants for the purpose of population health screening. Participant phenotype was not available at the time of variant classification. Additional details can be found in publication PMID: 35346344, PMCID: PMC8962531

Ambry Genetics
Classification: Uncertain significance for Cardiovascular phenotype. Last evaluated: 2023-02-07. Review status: criteria provided, single submitter. Criteria: Ambry Variant Classification Scheme 2023. Collection method: clinical testing. Allele origin: germline.
Comment: The p.M4109L variant (also known as c.12325A>C), located in coding exon 90 of the RYR2 gene, results from an A to C substitution at nucleotide position 12325. The methionine at codon 4109 is replaced by leucine, an amino acid with highly similar properties. This amino acid position is well conserved in available vertebrate species. In addition, this alteration is predicted to be deleterious by in silico analysis. Since supporting evidence is limited at this time, the clinical significance of this alteration remains unclear.